The following is an entry in ClinVar:

ClinVar aggregate classification (germline): Uncertain significance (1 of 4 stars; one submission).

Conditions:
Autosomal dominant limb-girdle muscular dystrophy type 1G (LGMDD3). Also called: Limb-girdle muscular dystrophy, type 1G; MUSCULAR DYSTROPHY, LIMB-GIRDLE, AUTOSOMAL DOMINANT 3. Identifiers: Orphanet 55596, MedGen C1836765, MONDO:0012193, OMIM 609115.

Submission:

Labcorp Genetics (formerly Invitae), Labcorp
Classification: Uncertain significance for Autosomal dominant limb-girdle muscular dystrophy type 1G. Last evaluated: 2022-06-15. Review status: criteria provided, single submitter. Criteria: Invitae Variant Classification Sherloc (09022015). Collection method: clinical testing. Allele origin: germline.
Comment: This sequence change replaces histidine, which is basic and polar, with aspartic acid, which is acidic and polar, at codon 60 of the HNRNPDL protein (p.His60Asp). This variant is not present in population databases (gnomAD no frequency). This variant has not been reported in the literature in individuals affected with HNRNPDL-related conditions. Algorithms developed to predict the effect of missense changes on protein structure and function are either unavailable or do not agree on the potential impact of this missense change (SIFT: "Deleterious"; PolyPhen-2: "Benign"; Align-GVGD: "Class C0"). In summary, the available evidence is currently insufficient to determine the role of this variant in disease. Therefore, it has been classified as a Variant of Uncertain Significance.

NM_031372.4(HNRNPDL):c.178C>G (p.His60Asp)

Gene: HNRNPDL (heterogeneous nuclear ribonucleoprotein D like; minus strand). Cytogenetic location: 4q21.22.
Variant type: single nucleotide variant.
Coding change: c.178C>G on transcript NM_031372.4 (MANE Select); coding-DNA position 178, C replaced by G.
Protein change: p.His60Asp; replaces histidine 60 with aspartic acid.
Molecular consequence: missense variant. On other transcripts: non-coding transcript variant (1).
Genome position (GRCh38, 1-based): chr4:82,429,513, G>C on the plus strand (C>G on the coding strand, the complement: HNRNPDL is on the minus strand). VCF-style: chr4-82429513-G-C. GRCh37 (hg19) VCF-style: chr4-83350666-G-C.
Other names: c.178C>G, p.His60Asp (NM_001207000.1); short protein forms H60D.
Identifiers: ClinVar variation 2187078 (VCV002187078.4), dbSNP rs988284711, ClinGen allele CA357172877.